The following is an entry in ClinVar:

NM_001127453.2(GSDME):c.1067T>A (p.Leu356His)

Gene: GSDME (gasdermin E; minus strand). Cytogenetic location: 7p15.3.
Variant type: single nucleotide variant.
Coding change: c.1067T>A on transcript NM_001127453.2 (MANE Select); coding-DNA position 1067, T replaced by A.
Protein change: p.Leu356His; replaces leucine 356 with histidine.
Molecular consequence: missense variant.
Genome position (GRCh38, 1-based): chr7:24,706,300, A>T on the plus strand (T>A on the coding strand, the complement: GSDME is on the minus strand). VCF-style: chr7-24706300-A-T. GRCh37 (hg19) VCF-style: chr7-24745919-A-T.
Other names: c.575T>A, p.Leu192His (NM_001127454.2); c.1067T>A, p.Leu356His (NM_004403.3); short protein forms L192H, L356H.
Identifiers: ClinVar variation 2882763 (VCV002882763.3), dbSNP rs537500140, ClinGen allele CA4191414.
Genomic context (GRCh38, chr7:24,706,300, plus strand): 5'-TCCTCGGGGCCCGGACACCCACCCTGTAAGCTGCACCCCACCAGCTGCAGGAAGGCCACA[A>T]GGTCCTGCTGCTGCCGGGGCTTCAGCTCCCCCAGCACCGCCACTGTGGGCGAGAGGCCGC-3'
Protein context (NP_001120925.1, residues 346-366): GELKPRQQQD[Leu356His]VAFLQLVGCS

ClinVar aggregate classification (germline): Uncertain significance (1 of 4 stars; one submission).

Allele frequency attached by ClinVar (database versions not stated): TOPMed 0.00001; gnomAD exomes below 0.00001; 1000 Genomes Project 0.00060; ExAC 0.00002; gnomAD 0.00003; 1000 Genomes Project 30x 0.00062.
gnomAD v4.1: 6 of 1,614,058 alleles (0.00037%); highest among the groups gnomAD compares: Admixed American, 0.0083%; no homozygotes.

Submission:

Labcorp Genetics (formerly Invitae), Labcorp
Classification: Uncertain significance. Last evaluated: 2025-07-30. Review status: criteria provided, single submitter. Criteria: Invitae Variant Classification Sherloc (09022015). Collection method: clinical testing. Allele origin: germline.
Comment: This sequence change replaces leucine, which is neutral and non-polar, with histidine, which is basic and polar, at codon 356 of the DFNA5 protein (p.Leu356His). This variant is present in population databases (rs537500140, gnomAD 0.003%). This variant has not been reported in the literature in individuals affected with DFNA5-related conditions. ClinVar contains an entry for this variant (Variation ID: 2882763). Invitae Evidence Modeling of protein sequence and biophysical properties (such as structural, functional, and spatial information, amino acid conservation, physicochemical variation, residue mobility, and thermodynamic stability) indicates that this missense variant is expected to disrupt DFNA5 protein function with a positive predictive value of 80%. In summary, the available evidence is currently insufficient to determine the role of this variant in disease. Therefore, it has been classified as a Variant of Uncertain Significance.